The following is an entry in ClinVar:

NM_000321.3(RB1):c.64G>C (p.Ala22Pro)

Gene: RB1 (RB transcriptional corepressor 1; plus strand). Cytogenetic location: 13q14.2.
Variant type: single nucleotide variant.
Coding change: c.64G>C on transcript NM_000321.3 (MANE Select); coding-DNA position 64, G replaced by C.
Protein change: p.Ala22Pro; replaces alanine 22 with proline.
Molecular consequence: missense variant.
Genome position (GRCh38, 1-based): chr13:48,303,976, G>C. VCF-style: chr13-48303976-G-C. GRCh37 (hg19) VCF-style: chr13-48878112-G-C.
Other names: c.64G>C, p.Ala22Pro (NM_001407165.1, NM_001407166.1, NM_001407167.1); short protein forms A22P.
Identifiers: ClinVar variation 3787265 (VCV003787265.2).

ClinVar aggregate classification (germline): Conflicting classifications of pathogenicity. Review status: criteria provided, conflicting classifications (1 of 4 stars). 2 submissions from 2 submitters: Uncertain significance (1); Likely benign (1). Last evaluated 2025-04-10.

Conditions:
Hereditary cancer-predisposing syndrome. Also called: Neoplastic Syndromes, Hereditary; Hereditary Cancer Syndrome; Tumor predisposition; Hereditary neoplastic syndrome. Identifiers: Orphanet 140162, MedGen C0027672, MeSH D009386, MONDO:0015356.
Retinoblastoma (RB1). Also called: RETINOBLASTOMA, SOMATIC. Identifiers: Orphanet 790, MedGen C0035335, MeSH D012175, MONDO:0008380, OMIM 180200, HP:0009919. Disease mechanism: loss of function. Inheritance: Both sporadic and heritable forms are tested..

Submissions (2):

Labcorp Genetics (formerly Invitae), Labcorp
Classification: Uncertain significance for Retinoblastoma. Last evaluated: 2025-04-10. Review status: criteria provided, single submitter. Criteria: Invitae Variant Classification Sherloc (09022015). Collection method: clinical testing. Allele origin: germline.
Comment: This sequence change replaces alanine, which is neutral and non-polar, with proline, which is neutral and non-polar, at codon 22 of the RB1 protein (p.Ala22Pro). This variant is not present in population databases (gnomAD no frequency). This variant has not been reported in the literature in individuals affected with RB1-related conditions. Invitae Evidence Modeling of protein sequence and biophysical properties (such as structural, functional, and spatial information, amino acid conservation, physicochemical variation, residue mobility, and thermodynamic stability) indicates that this missense variant is expected to disrupt RB1 protein function with a positive predictive value of 80%. In summary, the available evidence is currently insufficient to determine the role of this variant in disease. Therefore, it has been classified as a Variant of Uncertain Significance.

Ambry Genetics
Classification: Likely benign for Hereditary cancer-predisposing syndrome. Last evaluated: 2024-12-31. Review status: criteria provided, single submitter. Criteria: Ambry Variant Classification Scheme 2023. Collection method: clinical testing. Allele origin: germline.